The following is an entry in ClinVar:

ClinVar aggregate classification (germline): Pathogenic (1 of 4 stars; one submission).

Conditions:
Bardet-Biedl syndrome (BBS). Identifiers: Orphanet 110, MedGen C0752166, MONDO:0015229.

Submission:

Labcorp Genetics (formerly Invitae), Labcorp
Classification: Pathogenic for Bardet-Biedl syndrome. Last evaluated: 2021-11-01. Review status: criteria provided, single submitter. Criteria: Invitae Variant Classification Sherloc (09022015). Collection method: clinical testing. Allele origin: germline.
Comment: This sequence change creates a premature translational stop signal (p.Cys279Leufs*13) in the BBS4 gene. It is expected to result in an absent or disrupted protein product. Loss-of-function variants in BBS4 are known to be pathogenic (PMID: 11381270, 12016587, 20177705, 27894351). This variant is not present in population databases (gnomAD no frequency). This variant has not been reported in the literature in individuals affected with BBS4-related conditions. For these reasons, this variant has been classified as Pathogenic.

Literature cited by the submitters: PubMed 11381270; PubMed 12016587; PubMed 20177705; PubMed 27894351.

NM_033028.5(BBS4):c.836_842del (p.Cys279fs)

Gene: BBS4 (Bardet-Biedl syndrome 4; plus strand). Cytogenetic location: 15q24.1.
Variant type: Deletion.
Coding change: c.836_842del on transcript NM_033028.5 (MANE Select); coding-DNA positions 836 to 842, 7 bases deleted (GTTTCTT; older notation c.836_842delGTTTCTT).
Protein change: p.Cys279fs; shifts the reading frame from cysteine 279.
Molecular consequence: frameshift variant. On other transcripts: non-coding transcript variant (2).
Genome position (GRCh38, 1-based): chr15:72,731,429-72,731,435, GTTTCTT deleted; deleting any 7 consecutive bases within chr15:72,731,428-72,731,435 gives the same sequence; the c. name uses the placement nearest the transcript's 3' end. VCF-style (leftmost placement, unchanged base first): chr15-72731427-GTGTTTCT-G. GRCh37 (hg19) VCF-style: chr15-73023768-GTGTTTCT-G.
Other names: c.320_326del, p.Cys107fs (NM_001252678.2); c.767_773del, p.Cys256fs (NM_001320665.2); short protein forms C279fs, C256fs, C107fs.
Identifiers: ClinVar variation 1452272 (VCV001452272.6), dbSNP rs2151047525, ClinGen allele CA2573151079.